The following is an entry in ClinVar:

ClinVar aggregate classification (germline): Uncertain significance (1 of 4 stars; one submission).

Conditions:
Hereditary cancer-predisposing syndrome. Also called: Neoplastic Syndromes, Hereditary; Tumor predisposition; Hereditary neoplastic syndrome; Hereditary Cancer Syndrome. Identifiers: Orphanet 140162, MedGen C0027672, MeSH D009386, MONDO:0015356.

gnomAD v4.1: 1 of 1,614,170 alleles (0.000062%); highest among the groups gnomAD compares: South Asian, 0.0011%; no homozygotes.

Submission:

Ambry Genetics
Classification: Uncertain significance for Hereditary cancer-predisposing syndrome. Last evaluated: 2026-08-29. Review status: criteria provided, single submitter. Criteria: Ambry Variant Classification Scheme 2023. Collection method: clinical testing. Allele origin: germline.
Comment: The p.V1259A variant (also known as c.3776T>C), located in coding exon 19 of the BLM gene, results from a T to C substitution at nucleotide position 3776. The valine at codon 1259 is replaced by alanine, an amino acid with similar properties. This amino acid position is conserved. In addition, this alteration is predicted to be tolerated by in silico analysis. Based on the available evidence, the clinical significance of this variant remains unclear.

NM_000057.4(BLM):c.3776T>C (p.Val1259Ala)

Gene: BLM (BLM RecQ like helicase; plus strand). Cytogenetic location: 15q26.1.
Variant type: single nucleotide variant.
Coding change: c.3776T>C on transcript NM_000057.4 (MANE Select); coding-DNA position 3776, T replaced by C.
Protein change: p.Val1259Ala; replaces valine 1259 with alanine.
Molecular consequence: missense variant.
Genome position (GRCh38, 1-based): chr15:90,809,161, T>C. VCF-style: chr15-90809161-T-C. GRCh37 (hg19) VCF-style: chr15-91352391-T-C.
Other names: c.3776T>C, p.Val1259Ala (NM_001287246.2); c.3383T>C, p.Val1128Ala (NM_001287247.2); c.2651T>C, p.Val884Ala (NM_001287248.2); short protein forms V884A, V1259A, V1128A.
Identifiers: ClinVar variation 5032931 (VCV005032931.1).